The following is an entry in ClinVar:

NM_002017.5(FLI1):c.557T>A (p.Val186Glu)

Gene: FLI1 (Fli-1 proto-oncogene, ETS transcription factor; plus strand). Cytogenetic location: 11q24.3.
Variant type: single nucleotide variant.
Coding change: c.557T>A on transcript NM_002017.5 (MANE Select); coding-DNA position 557, T replaced by A.
Protein change: p.Val186Glu; replaces valine 186 with glutamic acid.
Molecular consequence: missense variant. On other transcripts: intron variant (1).
Genome position (GRCh38, 1-based): chr11:128,772,953, T>A. VCF-style: chr11-128772953-T-A. GRCh37 (hg19) VCF-style: chr11-128642848-T-A.
Other names: c.458T>A, p.Val153Glu (NM_001167681.3, NM_001440369.1, NM_001440370.1 and 1 more transcripts); c.359T>A, p.Val120Glu (NM_001271010.2); c.557T>A, p.Val186Glu (NM_001440372.1); c.11-9005T>A (NM_001271012.2); short protein forms V186E, V120E, V153E.
Identifiers: ClinVar variation 4737046 (VCV004737046.1).
Genomic context (GRCh38, chr11:128,772,953, plus strand): 5'-AACTGTGTAAAATGAACAAGGAGGACTTCCTCCGCGCCACCACCCTCTACAACACGGAAG[T>A]GCTGTTGTCACACCTCAGTTACCTCAGGGAAAGTAAGTGCCGCCCAAGTACCCAGGGCTG-3'
Protein context (NP_002008.2, residues 176-196): LRATTLYNTE[Val186Glu]LLSHLSYLRE

ClinVar aggregate classification (germline): Uncertain significance (1 of 4 stars; one submission).

Submission:

Labcorp Genetics (formerly Invitae), Labcorp
Classification: Uncertain significance. Last evaluated: 2025-09-22. Review status: criteria provided, single submitter. Criteria: Invitae Variant Classification Sherloc (09022015). Collection method: clinical testing. Allele origin: germline.
Comment: This sequence change replaces valine, which is neutral and non-polar, with glutamic acid, which is acidic and polar, at codon 186 of the FLI1 protein (p.Val186Glu). This variant is not present in population databases (gnomAD no frequency). This variant has not been reported in the literature in individuals affected with FLI1-related conditions. Invitae Evidence Modeling of protein sequence and biophysical properties (such as structural, functional, and spatial information, amino acid conservation, physicochemical variation, residue mobility, and thermodynamic stability) indicates that this missense variant is not expected to disrupt FLI1 protein function with a negative predictive value of 80%. In summary, the available evidence is currently insufficient to determine the role of this variant in disease. Therefore, it has been classified as a Variant of Uncertain Significance.